The following is an entry in ClinVar:

NM_004304.5(ALK):c.4861T>C (p.Ter1621Arg)

Gene: ALK (ALK receptor tyrosine kinase; minus strand). Cytogenetic location: 2p23.2.
Variant type: single nucleotide variant.
Coding change: c.4861T>C on transcript NM_004304.5 (MANE Select); coding-DNA position 4861, T replaced by C.
Protein change: p.Ter1621Arg.
Molecular consequence: stop lost.
Genome position (GRCh38, 1-based): chr2:29,193,226, A>G on the plus strand (T>C on the coding strand, the complement: ALK is on the minus strand). VCF-style: chr2-29193226-A-G. GRCh37 (hg19) VCF-style: chr2-29416092-A-G.
Other names: c.1657T>C, p.Ter553Arg (NM_001353765.2).
Identifiers: ClinVar variation 1383984 (VCV001383984.6), dbSNP rs2148136874, ClinGen allele CA346459991.

ClinVar aggregate classification (germline): Uncertain significance (1 of 4 stars; one submission).

Conditions:
Neuroblastoma, susceptibility to, 3. Also called: ALK-Related Neuroblastic Tumor Susceptibility. Identifiers: Orphanet 635, MedGen C2751681, MONDO:0013083, OMIM 613014.

Submission:

Labcorp Genetics (formerly Invitae), Labcorp
Classification: Uncertain significance for Neuroblastoma, susceptibility to, 3. Last evaluated: 2021-10-01. Review status: criteria provided, single submitter. Criteria: Invitae Variant Classification Sherloc (09022015). Collection method: clinical testing. Allele origin: germline.
Comment: In summary, the available evidence is currently insufficient to determine the role of this variant in disease. Therefore, it has been classified as a Variant of Uncertain Significance. This variant has not been reported in the literature in individuals affected with ALK-related conditions. This variant is not present in population databases (ExAC no frequency). This sequence change disrupts the translational stop signal of the ALK mRNA. It is expected to extend the length of the ALK protein by 41 additional amino acid residues.